The following is an entry in ClinVar:

NM_006160.4(NEUROD2):c.771G>A (p.Leu257=)

Gene: NEUROD2 (neuronal differentiation 2; minus strand). Cytogenetic location: 17q12.
Variant type: single nucleotide variant.
Coding change: c.771G>A on transcript NM_006160.4 (MANE Select); coding-DNA position 771, G replaced by A.
Protein change: p.Leu257=; no amino-acid change (leucine 257 retained).
Molecular consequence: synonymous variant.
Genome position (GRCh38, 1-based): chr17:39,605,829, C>T on the plus strand (G>A on the coding strand, the complement: NEUROD2 is on the minus strand). VCF-style: chr17-39605829-C-T. GRCh37 (hg19) VCF-style: chr17-37762082-C-T.
Identifiers: ClinVar variation 3043354 (VCV003043354.3), dbSNP rs200708991, ClinGen allele CA8531795.
Genomic context (GRCh38, chr17:39,605,829, plus strand): 5'-CAGCGTCTCGTAGGCGGCGCAGTAGCCGTGGGTCCGCAGGGCGTGCGCCGCGCCGCCGCC[C>T]AGGCCGCCGGCCGCCTGGCACTGTGCGCCCGCCAGGCGCGAGCACGGGTACGGGTAGGGG-3'
Protein context (NP_006151.3, residues 247-267): AGAQCQAAGG[Leu257=]GGGAAHALRT

ClinVar aggregate classification (germline): Likely benign. Review status: criteria provided, single submitter (1 of 4 stars). 2 submissions from 2 submitters: Likely benign (1). 1 of the submissions does not count toward it. Last evaluated 2024-10-23.

Conditions:
NEUROD2-related disorder. Also called: NEUROD2-related condition.

Allele frequency attached by ClinVar (database versions not stated): gnomAD exomes 0.00038; 1000 Genomes Project 0.00419; 1000 Genomes Project 30x 0.00422; gnomAD 0.00465; ExAC 0.00514; TOPMed 0.00560.
gnomAD v4.1: 1,220 of 1,369,674 alleles (0.089%); highest among the groups gnomAD compares: African/African-American, 1.6%; 10 homozygotes.

Submissions (2):

Blueprint Genetics
Classification: Likely benign. Last evaluated: 2024-10-23. Review status: criteria provided, single submitter. Criteria: ACMG Guidelines, 2015. Collection method: clinical testing. Allele origin: germline.

PreventionGenetics, part of Exact Sciences
Classification: Benign for NEUROD2-related condition. Last evaluated: 2019-11-16. Review status: no assertion criteria provided. Collection method: clinical testing. Allele origin: germline. Not counted in ClinVar's aggregate classification.
Comment: This variant is classified as benign based on ACMG/AMP sequence variant interpretation guidelines (Richards et al. 2015 PMID: 25741868, with internal and published modifications).